The following is an entry in ClinVar:

ClinVar aggregate classification (germline): Uncertain significance (1 of 4 stars; one submission).

Conditions:
Hereditary cancer-predisposing syndrome. Also called: Hereditary Cancer Syndrome; Hereditary neoplastic syndrome; Neoplastic Syndromes, Hereditary; Tumor predisposition. Identifiers: Orphanet 140162, MedGen C0027672, MeSH D009386, MONDO:0015356.

Submission:

Ambry Genetics
Classification: Uncertain significance for Hereditary cancer-predisposing syndrome. Last evaluated: 2025-09-14. Review status: criteria provided, single submitter. Criteria: Ambry Variant Classification Scheme 2023. Collection method: clinical testing. Allele origin: germline.
Comment: The p.S1543A variant (also known as c.4627T>G), located in coding exon 22 of the DICER1 gene, results from a T to G substitution at nucleotide position 4627. The serine at codon 1543 is replaced by alanine, an amino acid with similar properties. This amino acid position is conserved. In addition, the in silico prediction for this alteration is inconclusive. Based on the available evidence, the clinical significance of this variant remains unclear.

NM_177438.3(DICER1):c.4627T>G (p.Ser1543Ala)

Gene: DICER1 (dicer 1, ribonuclease III; minus strand). Cytogenetic location: 14q32.13.
Variant type: single nucleotide variant.
Coding change: c.4627T>G on transcript NM_177438.3 (MANE Select); coding-DNA position 4627, T replaced by G.
Protein change: p.Ser1543Ala; replaces serine 1543 with alanine.
Molecular consequence: missense variant. On other transcripts: non-coding transcript variant (6).
Genome position (GRCh38, 1-based): chr14:95,096,293, A>C on the plus strand (T>G on the coding strand, the complement: DICER1 is on the minus strand). VCF-style: chr14-95096293-A-C. GRCh37 (hg19) VCF-style: chr14-95562630-A-C.
Other names: c.4627T>G, p.Ser1543Ala (NM_001395677.1, NM_001395678.1, NM_001395679.1 and 12 more transcripts); c.4345T>G, p.Ser1449Ala (NM_001395686.1); c.4222T>G, p.Ser1408Ala (NM_001395687.1, NM_001395688.1, NM_001395689.1 and 2 more transcripts); c.4060T>G, p.Ser1354Ala (NM_001395691.1); c.2944T>G, p.Ser982Ala (NM_001395697.1); short protein forms S1408A, S1354A, S1449A, S1543A, S982A.
Identifiers: ClinVar variation 4240551 (VCV004240551.1).